The following is an entry in ClinVar:

NM_001379291.1(BRD4):c.2385C>A (p.Ser795=)

Gene: BRD4 (bromodomain containing 4; minus strand). Cytogenetic location: 19p13.12.
Variant type: single nucleotide variant.
Coding change: c.2385C>A on transcript NM_001379291.1 (MANE Select); coding-DNA position 2385, C replaced by A.
Protein change: p.Ser795=; no amino-acid change (serine 795 retained).
Molecular consequence: synonymous variant.
Genome position (GRCh38, 1-based): chr19:15,244,427, G>T on the plus strand (C>A on the coding strand, the complement: BRD4 is on the minus strand). VCF-style: chr19-15244427-G-T. GRCh37 (hg19) VCF-style: chr19-15355238-G-T.
Other names: c.2385C>A, p.Ser795= (NM_058243.3).
Identifiers: ClinVar variation 3051601 (VCV003051601.2), dbSNP rs1186878460, ClinGen allele CA506080467.

ClinVar aggregate classification (germline): Likely benign (0 of 4 stars; one submission).

Conditions:
BRD4-related disorder. Also called: BRD4-related condition.

Submission:

PreventionGenetics, part of Exact Sciences
Classification: Likely benign for BRD4-related condition. Last evaluated: 2020-01-17. Review status: no assertion criteria provided. Collection method: clinical testing. Allele origin: germline.
Comment: This variant is classified as likely benign based on ACMG/AMP sequence variant interpretation guidelines (Richards et al. 2015 PMID: 25741868, with internal and published modifications).